The following is an entry in ClinVar:

GRCh38/hg38 2p22.1(chr2:39979140-40669741)x3

Genes: SLC8A1 (solute carrier family 8 member A1; minus strand), SLC8A1-AS1 (SLC8A1 antisense RNA 1; plus strand), LOC120961746 (Sharpr-MPRA regulatory region 6978; plus strand), LOC120961747 (Sharpr-MPRA regulatory region 14225; plus strand), LOC126806199 (MED14-independent group 3 enhancer GRCh37_chr2:40661639-40662838; plus strand). Cytogenetic location: 2p22.1.
Variant type: copy number gain.
Change: copy number 3 (three copies instead of two) of chr2:39,979,140-40,669,741 (690.6 kb, GRCh38 coordinates, 1-based), cytogenetic band 2p22.1.
Identifiers: ClinVar variation 57359 (VCV000057359.1).

ClinVar aggregate classification (germline): Uncertain significance (1 of 4 stars; one submission).

Submission:

ISCA site 4
Classification: Uncertain significance. Last evaluated: 2011-08-12. Review status: criteria provided, single submitter. Criteria: Kaminsky et al. (Genet Med. 2011). Collection method: clinical testing. Allele origin: unknown. Affected: yes. Observed: 1 variant allele.
Comment: Copy number variation identified through the course of routine clinical cytogenomic testing in postnatal populations. Clinical assertions have been curated as described in Kaminsky et al. 2011.